The following is an entry in ClinVar:

ClinVar aggregate classification (germline): Pathogenic. Review status: criteria provided, multiple submitters, no conflicts (2 of 4 stars). 2 submissions from 2 submitters: Pathogenic (2). Last evaluated 2023-01-20.

Conditions:
Neurofibromatosis, type 1 (NF1). Also called: VON RECKLINGHAUSEN DISEASE; NEUROFIBROMATOSIS, TYPE I, SOMATIC; Peripheral type neurofibromatosis; Neurofibromatosis, type I. Identifiers: Orphanet 636, MedGen C0027831, MONDO:0018975, OMIM 162200. Disease mechanism: loss of function.

Submissions (2):

Labcorp Genetics (formerly Invitae), Labcorp
Classification: Pathogenic for Neurofibromatosis, type 1. Last evaluated: 2023-01-20. Review status: criteria provided, single submitter. Criteria: Invitae Variant Classification Sherloc (09022015). Collection method: clinical testing. Allele origin: germline.
Comment: This sequence change creates a premature translational stop signal (p.Thr1959Glnfs*2) in the NF1 gene. It is expected to result in an absent or disrupted protein product. Loss-of-function variants in NF1 are known to be pathogenic (PMID: 10712197, 23913538). This variant is not present in population databases (gnomAD no frequency). This variant has not been reported in the literature in individuals affected with NF1-related conditions. ClinVar contains an entry for this variant (Variation ID: 618250). For these reasons, this variant has been classified as Pathogenic.

ARUP Laboratories, Molecular Genetics and Genomics, ARUP Laboratories
Classification: Pathogenic. Last evaluated: 2018-02-05. Review status: criteria provided, single submitter. Criteria: ARUP Molecular Germline Variant Investigation Process. Collection method: clinical testing. Allele origin: germline.
Comment: The NF1 c.5938delA; p.Thr1980fs (NM_000267.3: c.5875delA; p.Thr1959fs) variant, to our knowledge, is not reported in the medical literature or in gene-specific databases. This variant is absent from the general population databases (1000 Genomes Project, Exome Variant Server, and Genome Aggregation Database), indicating it is not a common polymorphism. This variant causes a frameshift by deleting a single nucleotide, and is predicted to result in a truncated protein or mRNA subject to nonsense-mediated decay. Based on the above information, this variant is considered pathogenic.

Literature cited by the submitters: PubMed 10712197 (cited by Labcorp Genetics (formerly Invitae), Labcorp); PubMed 23913538 (cited by Labcorp Genetics (formerly Invitae), Labcorp).

NM_001042492.3(NF1):c.5938del (p.Thr1980fs)

Gene: NF1 (neurofibromin 1; plus strand). Cytogenetic location: 17q11.2.
Variant type: Deletion.
Coding change: c.5938del on transcript NM_001042492.3 (MANE Select); coding-DNA position 5938, one base deleted (A; older notation c.5938delA).
Protein change: p.Thr1980fs; shifts the reading frame from threonine 1980.
Molecular consequence: frameshift variant.
Genome position (GRCh38, 1-based): chr17:31,334,963, A deleted; the last of 2 consecutive A bases (chr17:31,334,962-31,334,963); deleting either gives the same sequence. VCF-style (leftmost placement, unchanged base first): chr17-31334961-TA-T. GRCh37 (hg19) VCF-style: chr17-29661979-TA-T.
Other names: c.5875delA (NM_000267.3); c.5875delA, p.Thr1959Glnfs (NM_000267.4); short protein forms T1959fs, T1980fs.
Identifiers: ClinVar variation 618250 (VCV000618250.11), dbSNP rs1567615852, ClinGen allele CA913191129.